The following is an entry in ClinVar:

NM_001257180.2(SLC20A2):c.1144C>T (p.Arg382Ter)

Gene: SLC20A2 (solute carrier family 20 member 2; minus strand). Cytogenetic location: 8p11.21.
Variant type: single nucleotide variant.
Coding change: c.1144C>T on transcript NM_001257180.2 (MANE Select); coding-DNA position 1144, C replaced by T.
Protein change: p.Arg382Ter; replaces arginine 382 with a stop codon.
Molecular consequence: nonsense.
Genome position (GRCh38, 1-based): chr8:42,437,368, G>A on the plus strand (C>T on the coding strand, the complement: SLC20A2 is on the minus strand). VCF-style: chr8-42437368-G-A. GRCh37 (hg19) VCF-style: chr8-42294886-G-A.
Other names: c.1144C>T, p.Arg382Ter (NM_001257181.2, NM_006749.5); c.1144C>T (NM_006749.4); short protein forms R382*.
Identifiers: ClinVar variation 1676262 (VCV001676262.3), dbSNP rs2131006903, ClinGen allele CA371097316.

ClinVar aggregate classification (germline): Pathogenic. Review status: criteria provided, multiple submitters, no conflicts (2 of 4 stars). 2 submissions from 2 submitters: Pathogenic (2). Last evaluated 2023-11-13.

Conditions:
Idiopathic basal ganglia calcification 1 (PFBC1A). Also called: Fahr's syndrome; Cerebral calcification nonarteriosclerotic idiopathic adult-onset; Striopallidodentate calcinosis autosomal dominant adult-onset; Ferrocalcinosis, cerebrovascular; Fahr disease, familial (formerly); Familial Idiopathic Basal Ganglia Calcification 2. Identifiers: Orphanet 1980, MedGen C4551624, MONDO:0024538, OMIM 213600.

Submissions (2):

Rady Children's Institute for Genomic Medicine, Rady Children's Hospital San Diego
Classification: Pathogenic for BASAL GANGLIA CALCIFICATION, IDIOPATHIC, 1. Last evaluated: 2023-11-13. Review status: criteria provided, single submitter. Criteria: ACMG Guidelines, 2015. Collection method: clinical testing. Allele origin: germline. Affected: yes.
Comment: This nonsense variant found in exon 8 of 11 is predicted to result in loss of normal protein function through either protein truncation or nonsense-mediated mRNA decay. Loss-of-function variation in SLC20A2 is an established mechanism of disease (PMID: 22327515). This variant has not been previously reported or functionally characterized in the literature to our knowledge. The c.1144C>T (p.Arg382Ter) variant is absent from the gnomAD population database and thus is presumed to be rare. Based on the available evidence, c.1144C>T (p.Arg382Ter) is classified as Pathogenic.

Molecular Genetics, Royal Melbourne Hospital
Classification: Pathogenic for Idiopathic basal ganglia calcification 1. Last evaluated: 2022-04-05. Review status: criteria provided, single submitter. Criteria: ACMG Guidelines, 2015. Collection method: clinical testing. Allele origin: germline. Affected: yes.
Comment: This sequence change in SLC20A2 is a nonsense variant predicted to cause a premature stop codon (p.(Arg382*)) in biologically-relevant-exon 8/11 leading to nonsense mediated decay in a gene in which loss-of-function is an established disease mechanism (PMID: 22327515). This variant is absent from gnomAD v2.1 and v3.1. To our knowledge, this variant has not been reported in the literature in any individuals with basal ganglia calcification. Based on the classification scheme RMH Modified ACMG Guidelines v1.4.0, this variant is classified as PATHOGENIC. Following criteria are met: PVS1, PS4_Supporting, PM2_Supporting.

Literature cited by the submitters: PubMed 22327515 (cited by Rady Children's Institute for Genomic Medicine, Rady Children's Hospital San Diego and Molecular Genetics, Royal Melbourne Hospital).